The following is an entry in ClinVar:

NM_001365276.2(TNXB):c.11387-9T>C

Genes: TNXB (tenascin XB; minus strand), LOC106780803 (tenascin XB recombination region; plus strand). Cytogenetic location: 6p21.33.
Variant type: single nucleotide variant.
Coding change: c.11387-9T>C on transcript NM_001365276.2 (MANE Select); 9 bases into the intron before coding-DNA position 11387, T replaced by C.
Molecular consequence: intron variant.
Genome position (GRCh38, 1-based): chr6:32,043,901, A>G on the plus strand (T>C on the coding strand, the complement: TNXB is on the minus strand). VCF-style: chr6-32043901-A-G. GRCh37 (hg19) VCF-style: chr6-32011678-A-G.
Other names: p.?; c.11381-9T>C (NM_019105.8); c.674-9T>C (NM_032470.4).
Identifiers: ClinVar variation 261107 (VCV000261107.13), dbSNP rs2894233, ClinGen allele CA3733022.

ClinVar aggregate classification (germline): Benign/Likely benign. Review status: criteria provided, multiple submitters, no conflicts (2 of 4 stars). 8 submissions from 8 submitters: Benign (5); Likely benign (3). Last evaluated 2026-02-02.

Conditions:
Ehlers-Danlos syndrome due to tenascin-X deficiency (EDSCLL1). Also called: EDS DUE TO TNX DEFICIENCY; TNXB-Related Classical-Like Ehlers-Danlos Syndrome; EHLERS-DANLOS SYNDROME, CLASSIC-LIKE; Ehlers-Danlos syndrome, classic-like, 1; TNX DEFICIENCY. Identifiers: Orphanet 230839, MedGen C1848029, MONDO:0011670, OMIM 606408.
Vesicoureteral reflux 8 (VUR8). Identifiers: Orphanet 289365, MedGen C4014831, MONDO:0014422, OMIM 615963.
Ehlers-Danlos syndrome (EDS). Identifiers: Orphanet 98249, MedGen C0013720, MONDO:0020066.

Allele frequency attached by ClinVar (database versions not stated): 1000 Genomes Project 30x 0.00515; 1000 Genomes Project 0.00579; gnomAD exomes 0.01394; ExAC 0.01513; gnomAD 0.01552 and 0.01611; ESP Exome Variant Server 0.01659.
gnomAD v4.1: 30,811 of 1,610,014 alleles (1.9%); highest among the groups gnomAD compares: Non-Finnish European, 2.3%; 408 homozygotes.

Submissions (8):

Labcorp Genetics (formerly Invitae), Labcorp
Classification: Benign. Last evaluated: 2026-02-02. Review status: criteria provided, single submitter. Criteria: Invitae Variant Classification Sherloc (09022015). Collection method: clinical testing. Allele origin: germline.

Blueprint Genetics
Classification: Likely benign. Last evaluated: 2024-11-26. Review status: criteria provided, single submitter. Criteria: ACMG Guidelines, 2015. Collection method: clinical testing. Allele origin: germline.

Mayo Clinic Laboratories, Mayo Clinic
Classification: Benign. Last evaluated: 2023-02-03. Review status: criteria provided, single submitter. Criteria: ACMG Guidelines, 2015. Collection method: clinical testing. Allele origin: germline. Observed: 133 variant alleles.
Comment: BS1, BS2, BP4, BP7

Genome Diagnostics Laboratory, The Hospital for Sick Children
Classification: Benign for Ehlers-Danlos syndrome. Last evaluated: 2022-06-17. Review status: criteria provided, single submitter. Criteria: ACMG Guidelines, 2015. Collection method: clinical testing. Allele origin: germline.

Fulgent Genetics
Classification: Benign for Ehlers-Danlos syndrome due to tenascin-X deficiency; Vesicoureteral reflux 8. Last evaluated: 2022-03-02. Review status: criteria provided, single submitter. Criteria: ACMG Guidelines, 2015. Collection method: clinical testing. Allele origin: unknown.

GeneDx
Classification: Likely benign. Last evaluated: 2018-07-14. Review status: criteria provided, single submitter. Criteria: GeneDx Variant Classification Process June 2021. Collection method: clinical testing. Allele origin: germline. Affected: yes.

PreventionGenetics, part of Exact Sciences
Classification: Benign. Last evaluated: 2016-02-24. Review status: criteria provided, single submitter. Criteria: ACMG Guidelines, 2015. Collection method: clinical testing. Allele origin: germline.

Breakthrough Genomics
Classification: Likely benign. Review status: criteria provided, single submitter. Criteria: ACMG Guidelines, 2015. Collection method: not provided. Allele origin: germline. Inheritance: Autosomal recessive inheritance. Affected: yes.